The following is an entry in ClinVar:

ClinVar aggregate classification (germline): Pathogenic (1 of 4 stars; one submission).

Conditions:
Familial cancer of breast. Also called: Hereditary breast cancer; hereditary breast carcinoma; BREAST CANCER, FAMILIAL. Identifiers: Orphanet 227535, MedGen C0346153, MONDO:0016419, OMIM 114480. Disease mechanism: loss of function.

Submission:

Myriad Genetics, Inc.
Classification: Pathogenic for Familial cancer of breast. Last evaluated: 2025-02-28. Review status: criteria provided, single submitter. Criteria: Myriad Autosomal Dominant, Autosomal Recessive and X-Linked Classification Criteria (2023). Collection method: clinical testing. Allele origin: unknown.
Comment: This variant is considered pathogenic. This variant creates a frameshift predicted to result in premature protein truncation.

NM_032043.3(BRIP1):c.2753_2754insT (p.Ser919fs)

Gene: BRIP1 (BRCA1 interacting DNA helicase 1; minus strand). Cytogenetic location: 17q23.2.
Variant type: Insertion.
Coding change: c.2753_2754insT on transcript NM_032043.3 (MANE Select); coding-DNA positions 2753 to 2754, T inserted.
Protein change: p.Ser919fs; shifts the reading frame from serine 919.
Molecular consequence: frameshift variant.
Genome position: GRCh38 VCF-style: chr17-61685987-G-GA. GRCh37 (hg19) VCF-style: chr17-59763348-G-GA.
Other names: short protein forms S919fs.
Identifiers: ClinVar variation 3904734 (VCV003904734.1).